The following is an entry in ClinVar:

ClinVar aggregate classification (germline): Conflicting classifications of pathogenicity. Review status: criteria provided, conflicting classifications (1 of 4 stars). 12 submissions from 12 submitters: Uncertain significance (9); Likely benign (2). 1 of the submissions does not count toward it. Last evaluated 2026-09-17.

Conditions:
NDRG1-related disorder. Also called: NDRG1-related condition.
Charcot-Marie-Tooth disease. Also called: Charcot-Marie-Tooth Neuropathy; Charcot-Marie-Tooth Hereditary Neuropathy. Identifiers: Orphanet 166, MedGen C0007959, MONDO:0015626.
Inborn genetic diseases. Identifiers: MedGen C0950123, MeSH D030342.
Charcot-Marie-Tooth disease type 4. Also called: Charcot-Marie-Tooth, Type 4; Charcot-Marie-Tooth disease, type IV. Identifiers: Orphanet 64749, MedGen C4082197, MONDO:0018995.
Charcot-Marie-Tooth disease type 4D. Also called: NEUROPATHY, HEREDITARY MOTOR AND SENSORY, LOM TYPE; CHARCOT-MARIE-TOOTH DISEASE, DEMYELINATING, AUTOSOMAL RECESSIVE, TYPE 4D; Charcot-Marie-Tooth Neuropathy Type 4D; CHARCOT-MARIE-TOOTH DISEASE, DEMYELINATING, TYPE 4D. Identifiers: Orphanet 99950, MedGen C1832334, MONDO:0011085, OMIM 601455.

Allele frequency attached by ClinVar (database versions not stated): 1000 Genomes Project 30x 0.00031; 1000 Genomes Project 0.00040; TOPMed 0.00052; gnomAD 0.00054; gnomAD exomes 0.00062; ExAC 0.00068; ESP Exome Variant Server 0.00069.
gnomAD v4.1: 1,211 of 1,614,140 alleles (0.075%); highest among the groups gnomAD compares: South Asian, 0.2%; no homozygotes.

Submissions (12):

GeneDx
Classification: Uncertain significance. Last evaluated: 2026-09-17. Review status: criteria provided, single submitter. Criteria: GeneDx Variant Classification Process June 2021. Collection method: clinical testing. Allele origin: germline.
Comment: Reported previously as a variant of uncertain significance in a patient with suspected Charcot-Marie-Tooth disease; however, no further clinical or segregation information was provided and it is unclear if a second variant was identified (PMID: 32376792); Listed as a variant in the NCBI SNP database; however, this variant was not found in this study and no additional information was provided (PMID: 12872253); In silico analysis supports that this missense variant has a deleterious effect on protein structure/function; This variant is associated with the following publications: (PMID: 32376792, 12872253)

CeGaT Center for Human Genetics Tuebingen
Classification: Uncertain significance. Last evaluated: 2026-07-01. Review status: criteria provided, single submitter. Criteria: CeGaT Center For Human Genetics Tuebingen Variant Classification Criteria Version 2. Collection method: clinical testing. Allele origin: germline. Affected: yes. Observed: 2 variant alleles.

Ambry Genetics
Classification: Uncertain significance for Inborn genetic diseases. Last evaluated: 2025-08-07. Review status: criteria provided, single submitter. Criteria: Ambry Variant Classification Scheme 2023. Collection method: clinical testing. Allele origin: germline.

PreventionGenetics, part of Exact Sciences
Classification: Likely benign for NDRG1-related condition. Last evaluated: 2024-11-12. Review status: criteria provided, single submitter. Criteria: ACMG Guidelines, 2015. Collection method: clinical testing. Allele origin: germline.
Comment: This variant is classified as likely benign based on ACMG/AMP sequence variant interpretation guidelines (Richards et al. 2015 PMID: 25741868, with internal and published modifications).

Blueprint Genetics
Classification: Likely benign. Last evaluated: 2024-11-06. Review status: criteria provided, single submitter. Criteria: ACMG Guidelines, 2015. Collection method: clinical testing. Allele origin: germline.

ARUP Laboratories, Molecular Genetics and Genomics, ARUP Laboratories
Classification: Uncertain significance for Charcot-Marie-Tooth disease type 4D. Last evaluated: 2024-07-09. Review status: criteria provided, single submitter. Criteria: ARUP Molecular Germline Variant Investigation Process 2024. Collection method: clinical testing. Allele origin: germline.
Comment: The NDRG1 c.122A>G; p.His41Arg variant (rs2233318), is reported in the literature in an individual with symptoms of Charcot-Marie-Tooth disease (Volodarsky 2021). This variant is also reported in ClinVar (Variation ID: 245649) and is found in the South Asian population with an overall allele frequency of 0.1796% (55/30,616 alleles) in the Genome Aggregation Database (v2.1.1). Computational analyses predict that this variant is neutral (REVEL: 0.128). Due to limited information, the clinical significance of this variant is uncertain at this time. References: Volodarsky M et al. Comprehensive genetic sequence and copy number analysis for Charcot-Marie-Tooth disease in a Canadian cohort of 2517 patients. J Med Genet. 2021 Apr;58(4):284-288. PMID: 32376792.

Labcorp Genetics (formerly Invitae), Labcorp
Classification: Uncertain significance for Charcot-Marie-Tooth disease type 4. Last evaluated: 2022-10-13. Review status: criteria provided, single submitter. Criteria: Invitae Variant Classification Sherloc (09022015). Collection method: clinical testing. Allele origin: germline.
Comment: This sequence change replaces histidine, which is basic and polar, with arginine, which is basic and polar, at codon 41 of the NDRG1 protein (p.His41Arg). This variant is present in population databases (rs2233318, gnomAD 0.2%), and has an allele count higher than expected for a pathogenic variant. This variant has not been reported in the literature in individuals affected with NDRG1-related conditions. ClinVar contains an entry for this variant (Variation ID: 245649). Advanced modeling of protein sequence and biophysical properties (such as structural, functional, and spatial information, amino acid conservation, physicochemical variation, residue mobility, and thermodynamic stability) performed at Invitae indicates that this missense variant is not expected to disrupt NDRG1 protein function. In summary, the available evidence is currently insufficient to determine the role of this variant in disease. Therefore, it has been classified as a Variant of Uncertain Significance.

Fulgent Genetics
Classification: Uncertain significance for Charcot-Marie-Tooth disease type 4D. Last evaluated: 2022-05-18. Review status: criteria provided, single submitter. Criteria: ACMG Guidelines, 2015. Collection method: clinical testing. Allele origin: unknown.

Mayo Clinic Laboratories, Mayo Clinic
Classification: Uncertain significance. Last evaluated: 2022-05-04. Review status: criteria provided, single submitter. Criteria: ACMG Guidelines, 2015. Collection method: clinical testing. Allele origin: germline. Observed: 4 variant alleles.
Comment: BP4

Athena Diagnostics
Classification: Uncertain significance. Last evaluated: 2016-10-13. Review status: criteria provided, single submitter. Criteria: Athena Diagnostics Criteria. Collection method: clinical testing. Allele origin: germline.

Molecular Genetics Laboratory, London Health Sciences Centre
Classification: Uncertain significance for Charcot-Marie-Tooth disease. Review status: criteria provided, single submitter. Criteria: ACMG Guidelines, 2015. Collection method: clinical testing. Allele origin: germline. Affected: yes.

Natera, Inc.
Classification: Uncertain significance for Charcot-Marie-Tooth disease type 4D. Last evaluated: 2020-01-16. Review status: no assertion criteria provided. Collection method: clinical testing. Allele origin: germline. Not counted in ClinVar's aggregate classification.

Literature cited by the submitters: PubMed 32376792 (cited by Mayo Clinic Laboratories, Mayo Clinic).

NM_006096.4(NDRG1):c.122A>G (p.His41Arg)

Gene: NDRG1 (N-myc downstream regulated 1; minus strand). Cytogenetic location: 8q24.22.
Variant type: single nucleotide variant.
Coding change: c.122A>G on transcript NM_006096.4 (MANE Select); coding-DNA position 122, A replaced by G.
Protein change: p.His41Arg; replaces histidine 41 with arginine.
Molecular consequence: missense variant. On other transcripts: 5 prime UTR variant (2), intron variant (1).
Genome position (GRCh38, 1-based): chr8:133,264,630, T>C on the plus strand (A>G on the coding strand, the complement: NDRG1 is on the minus strand). VCF-style: chr8-133264630-T-C. GRCh37 (hg19) VCF-style: chr8-134276873-T-C.
Other names: c.122A>G, p.His41Arg (NM_001135242.2, NM_001374844.1, NM_001374845.1 and 1 more transcripts); c.-77A>G (NM_001258432.2, NM_001374847.1); c.-38-2463A>G (NM_001258433.2); short protein forms H41R.
Identifiers: ClinVar variation 245649 (VCV000245649.59), dbSNP rs2233318, ClinGen allele CA4886878.
Genomic context (GRCh38, chr8:133,264,630, plus strand): 5'-GTGAGGATGACAGGCCGGTTTCCCTTGGGAGTCCCACACAGCGTGACGTGAACAGAGCCA[T>C]GTAAAGTCTCGATGTCCTGCTCCTGAGGAGACACAGCAGACAGTGGGCTGGTCATGTGGG-3'
Protein context (NP_006087.2, residues 31-51): DVQEQDIETL[His41Arg]GSVHVTLCGT